The following is an entry in ClinVar:

NM_015041.3(CLUAP1):c.1054A>C (p.Ile352Leu)

Gene: CLUAP1 (clusterin associated protein 1; plus strand). Cytogenetic location: 16p13.3.
Variant type: single nucleotide variant.
Coding change: c.1054A>C on transcript NM_015041.3 (MANE Select); coding-DNA position 1054, A replaced by C.
Protein change: p.Ile352Leu; replaces isoleucine 352 with leucine.
Molecular consequence: missense variant.
Genome position (GRCh38, 1-based): chr16:3,532,803, A>C. VCF-style: chr16-3532803-A-C. GRCh37 (hg19) VCF-style: chr16-3582803-A-C.
Other names: c.1054A>C, p.Ile352Leu (NM_001330454.2); c.556A>C, p.Ile186Leu (NM_024793.3); short protein forms I186L, I352L.
Identifiers: ClinVar variation 2120734 (VCV002120734.4), dbSNP rs762163947, ClinGen allele CA394515783.

ClinVar aggregate classification (germline): Uncertain significance (1 of 4 stars; one submission).

gnomAD v4.1: 5 of 1,614,092 alleles (0.00031%); highest among the groups gnomAD compares: East Asian, 0.0022%; no homozygotes.

Submission:

Labcorp Genetics (formerly Invitae), Labcorp
Classification: Uncertain significance. Last evaluated: 2022-04-01. Review status: criteria provided, single submitter. Criteria: Invitae Variant Classification Sherloc (09022015). Collection method: clinical testing. Allele origin: germline.
Comment: This variant is not present in population databases (gnomAD no frequency). This variant has not been reported in the literature in individuals affected with CLUAP1-related conditions. Algorithms developed to predict the effect of missense changes on protein structure and function (SIFT, PolyPhen-2, Align-GVGD) all suggest that this variant is likely to be tolerated. In summary, the available evidence is currently insufficient to determine the role of this variant in disease. Therefore, it has been classified as a Variant of Uncertain Significance. This sequence change replaces isoleucine, which is neutral and non-polar, with leucine, which is neutral and non-polar, at codon 352 of the CLUAP1 protein (p.Ile352Leu).